The following is an entry in ClinVar:

ClinVar aggregate classification (germline): Uncertain significance (1 of 4 stars; one submission).

Conditions:
Cardiovascular phenotype. Identifiers: MedGen CN230736.

Allele frequency attached by ClinVar (database versions not stated): gnomAD exomes below 0.00001.
gnomAD v4.1: 1 of 1,613,924 alleles (0.000062%); highest among the groups gnomAD compares: Non-Finnish European, 0.000085%; no homozygotes.

Submission:

Ambry Genetics
Classification: Uncertain significance for Cardiovascular phenotype. Last evaluated: 2022-05-24. Review status: criteria provided, single submitter. Criteria: Ambry Variant Classification Scheme 2023. Collection method: clinical testing. Allele origin: germline.
Comment: The p.N126S variant (also known as c.377A>G), located in coding exon 3 of the MAP2K2 gene, results from an A to G substitution at nucleotide position 377. The asparagine at codon 126 is replaced by serine, an amino acid with highly similar properties. This amino acid position is conserved. In addition, this alteration is predicted to be tolerated by in silico analysis. Since supporting evidence is limited at this time, the clinical significance of this alteration remains unclear.

NM_030662.4(MAP2K2):c.377A>G (p.Asn126Ser)

Gene: MAP2K2 (mitogen-activated protein kinase kinase 2; minus strand). Cytogenetic location: 19p13.3.
Variant type: single nucleotide variant.
Coding change: c.377A>G on transcript NM_030662.4 (MANE Select); coding-DNA position 377, A replaced by G.
Protein change: p.Asn126Ser; replaces asparagine 126 with serine.
Molecular consequence: missense variant.
Genome position (GRCh38, 1-based): chr19:4,110,582, T>C on the plus strand (A>G on the coding strand, the complement: MAP2K2 is on the minus strand). VCF-style: chr19-4110582-T-C. GRCh37 (hg19) VCF-style: chr19-4110580-T-C.
Other names: short protein forms N126S.
Identifiers: ClinVar variation 1734825 (VCV001734825.2), dbSNP rs2145069960, ClinGen allele CA403391504.